The following is an entry in ClinVar:

ClinVar aggregate classification (germline): Conflicting classifications of pathogenicity. Review status: criteria provided, conflicting classifications (1 of 4 stars). 7 submissions from 7 submitters: Uncertain significance (1); Benign (1); Likely benign (5). Last evaluated 2026-03-24.

Conditions:
MYBPC3-related disorder. Also called: MYBPC3-related disorders; MYBPC3-related condition; MYBPC3-related disease.
Cardiovascular phenotype. Identifiers: MedGen CN230736.
Cardiomyopathy (CMYO). Also called: Cardiomyopathies. Identifiers: Orphanet 167848, MedGen C0878544, MONDO:0004994, HP:0001638. Inheritance: Various modes of inheritance.
Hypertrophic cardiomyopathy. Also called: HYPERTROPHIC MYOCARDIOPATHY. Identifiers: Orphanet 217569, MedGen C0007194, MeSH D002312, MONDO:0005045, HP:0001639.

Allele frequency attached by ClinVar (database versions not stated): gnomAD 0.00006 and 0.00002; TOPMed 0.00004; gnomAD exomes 0.00032; ExAC 0.00047; 1000 Genomes Project 0.00060; 1000 Genomes Project 30x 0.00062.
gnomAD v4.1: 144 of 1,560,536 alleles (0.0092%); highest among the groups gnomAD compares: South Asian, 0.15%; no homozygotes.

Submissions (7):

PreventionGenetics, part of Exact Sciences
Classification: Likely benign for MYBPC3-related condition. Last evaluated: 2026-03-24. Review status: criteria provided, single submitter. Criteria: ACMG Guidelines, 2015. Collection method: clinical testing. Allele origin: germline.
Comment: This variant is classified as likely benign based on ACMG/AMP sequence variant interpretation guidelines (Richards et al. 2015 PMID: 25741868, with internal and published modifications).

Labcorp Genetics (formerly Invitae), Labcorp
Classification: Likely benign for Hypertrophic cardiomyopathy. Last evaluated: 2026-01-19. Review status: criteria provided, single submitter. Criteria: Invitae Variant Classification Sherloc (09022015). Collection method: clinical testing. Allele origin: germline.

Blueprint Genetics
Classification: Likely benign. Last evaluated: 2024-04-26. Review status: criteria provided, single submitter. Criteria: ACMG Guidelines, 2015. Collection method: clinical testing. Allele origin: germline.

Ambry Genetics
Classification: Benign for Cardiovascular phenotype. Last evaluated: 2023-04-14. Review status: criteria provided, single submitter. Criteria: Ambry Variant Classification Scheme 2023. Collection method: clinical testing. Allele origin: germline.

Phosphorus, Inc.
Classification: Likely benign. Last evaluated: 2022-01-13. Review status: criteria provided, single submitter. Criteria: ACMG Guidelines, 2015. Collection method: clinical testing. Allele origin: germline. Inheritance: Autosomal dominant inheritance.
Comment: This missense variant resulted in an amino acid substitution of valine with methionine at codon 168 of the MYBPC3 gene. The variant has occurred in GnomAD with a total MAF of 0.0032% and with the highest MAF of 0.2181% in the South Asian population. This position is not conserved. In silico functional algorithm predicted with Polyphen calling it possibly damaging, and SIFT deleterious, but no functional studies were performed to confirm this prediction. This variant NM_000256.3(MYBPC3):c.502G>A (p.Val168Met) is present in the ClinVar database (ID: 181040). The variant has not occurred in the literature in the association with the disease. Considering that the variant has a relatively high frequency in a subpopulation, it has been classified as Likely Benign.

Color Diagnostics, LLC DBA Color Health
Classification: Likely benign for Cardiomyopathy. Last evaluated: 2021-01-07. Review status: criteria provided, single submitter. Criteria: ACMG Guidelines, 2015. Collection method: clinical testing. Allele origin: germline.

GeneDx
Classification: Uncertain significance. Last evaluated: 2017-04-26. Review status: criteria provided, single submitter. Criteria: GeneDx Variant Classification (06012015). Collection method: clinical testing. Allele origin: germline. Affected: yes.
Comment: p.Val168Met (GTG>ATG): c.502 G>A in exon 4 of the MYBPC3 gene (NM_000256.3). The V168M variant in the MYBPC3 gene has not been reported as a disease-causing mutation or as a benign polymorphism to our knowledge. The V168M variant is a conservative amino acid substitution as these residues share similar properties, and are least likely to impact secondary structure. The V168 residue is not conserved across species. In silico analysis was inconsistent with regard to the effect this variant may have on the protein structure/function. Nevertheless, mutations in nearby residues (R160W, P161S, E165D, R177C, R177H) have been reported in association with HCM, supporting the functional importance of this region of the protein. The V168M variant was not observed in approximately 6,000 individuals of European and African American ancestry in the NHLBI Exome Sequencing Project, indicating it is not a common benign variant in these populations.Therefore, based on the currently available information, it is unclear whether this variant is a pathogenic mutation or a rare benign variant. Mutations in the MYBPC3 gene have been reported in 20%-30% of patients with autosomal dominant familial hypertrophic cardiomyopathy, and have been reported less frequently in patients with autosomal dominant familial dilated cardiomyopathy (Cirino A et al., 2011; Hershberger R et al., 2009). The variant is found in HCM panel(s).

NM_000256.3(MYBPC3):c.502G>A (p.Val168Met)

Gene: MYBPC3 (myosin binding protein C3; minus strand). Cytogenetic location: 11p11.2.
Variant type: single nucleotide variant.
Coding change: c.502G>A on transcript NM_000256.3 (MANE Select); coding-DNA position 502, G replaced by A.
Protein change: p.Val168Met; replaces valine 168 with methionine.
Molecular consequence: missense variant.
Genome position (GRCh38, 1-based): chr11:47,350,017, C>T on the plus strand (G>A on the coding strand, the complement: MYBPC3 is on the minus strand). VCF-style: chr11-47350017-C-T. GRCh37 (hg19) VCF-style: chr11-47371568-C-T.
Other names: p.V168M:GTG>ATG; short protein forms V168M.
Identifiers: ClinVar variation 181040 (VCV000181040.20), dbSNP rs569740494, ClinGen allele CA015261.